The following is an entry in ClinVar:

ClinVar aggregate classification (germline): Pathogenic. Review status: reviewed by expert panel (3 of 4 stars). 8 submissions from 8 submitters: Pathogenic (1). 7 of the submissions do not count toward it. Last evaluated 2017-03-17.

Conditions:
CFTR-related disorder (CFTR-RD). Also called: CFTR-related condition; CFTR-related disorders. Identifiers: MedGen C5924204, MONDO:7770004.
Cystic fibrosis (CF). Also called: MUCOVISCIDOSIS. Identifiers: Orphanet 586, MedGen C0010674, MONDO:0009061, OMIM 219700. Disease mechanism: loss of function.

Submissions (8):

CFTR2
Classification: Pathogenic for Cystic fibrosis. Last evaluated: 2017-03-17. Review status: reviewed by expert panel. Criteria: Sosnay PR et al. (Nat Genet 2013). Collection method: research. Allele origin: germline. Affected: yes. Study: CFTR2.

Women's Health and Genetics/Laboratory Corporation of America, LabCorp
Classification: Pathogenic for Cystic fibrosis. Last evaluated: 2026-03-30. Review status: criteria provided, single submitter. Criteria: LabCorp Variant Classification Summary - May 2015. Collection method: clinical testing. Allele origin: germline. Not counted in ClinVar's aggregate classification.
Comment: Variant summary: CFTR c.1703delT (p.Leu568CysfsX4) results in a premature termination codon, predicted to cause a truncation of the encoded protein or absence of the protein due to nonsense mediated decay, which are commonly known mechanisms for disease. The variant was absent in 250414 control chromosomes. c.1703delT has been observed in the presumed compound heterozygous state in at least 1 individual(s) affected with Cystic Fibrosis (example, Schelstraete_2008). The following publication has been ascertained in the context of this evaluation (PMID: 18094014). ClinVar contains an entry for this variant (Variation ID: 53349). Based on the evidence outlined above, the variant was classified as pathogenic.

Labcorp Genetics (formerly Invitae), Labcorp
Classification: Pathogenic for Cystic fibrosis. Last evaluated: 2023-08-03. Review status: criteria provided, single submitter. Criteria: Invitae Variant Classification Sherloc (09022015). Collection method: clinical testing. Allele origin: germline. Not counted in ClinVar's aggregate classification.
Comment: For these reasons, this variant has been classified as Pathogenic. Algorithms developed to predict the effect of sequence changes on RNA splicing suggest that this variant may disrupt the consensus splice site. ClinVar contains an entry for this variant (Variation ID: 53349). This premature translational stop signal has been observed in individual(s) with clinical features of CFTR-related conditions (PMID: 23974870). This variant is not present in population databases (gnomAD no frequency). This sequence change creates a premature translational stop signal (p.Leu568Cysfs*4) in the CFTR gene. It is expected to result in an absent or disrupted protein product. Loss-of-function variants in CFTR are known to be pathogenic (PMID: 1695717, 7691345, 9725922).

Institute of Human Genetics, University of Leipzig Medical Center
Classification: Pathogenic for Cystic fibrosis. Last evaluated: 2022-09-05. Review status: criteria provided, single submitter. Criteria: ACMG Guidelines, 2015. Collection method: curation. Allele origin: unknown. Affected: yes. Observed: 1 variant allele. Not counted in ClinVar's aggregate classification.
Comment: The variant was classified in the context of a project re-classifying variants in the German Cystic Fibrosis Registry (Muko.e.V.). Criteria applied: PVS1, PM3_STR, PM2_SUP, PP4

CFTR-France
Classification: Pathogenic for cystic fibrosis. Last evaluated: 2018-01-29. Review status: criteria provided, single submitter. Criteria: Claustres M et al. (Hum Mutat 2017). Collection method: curation. Allele origin: germline. Affected: yes. Not counted in ClinVar's aggregate classification.

ARUP Laboratories, Molecular Genetics and Genomics, ARUP Laboratories
Classification: Pathogenic. Last evaluated: 2017-05-31. Review status: criteria provided, single submitter. Criteria: ARUP Molecular Germline Variant Investigation Process. Collection method: clinical testing. Allele origin: germline. Not counted in ClinVar's aggregate classification.
Comment: The CFTR c.1703delT, p.Leu568fs variant (also known as 1833delT) has been reported in patients with cystic fibrosis (SickKids CFTR database, CFTR2 databases), but the clinical symptoms were not described. It is listed in the ClinVar database (Variation ID: 53349) and the dbSNP variant database (rs397508274), but not observed in the general population databases (1000 Genomes Project, Exome Variant Server, Exome Aggregation Consortium). The variant introduces a frameshift, and is predicted to result in a truncated protein or an absent transcript. Based on the above information, the variant is classified as pathogenic, with uncertain clinical severity. References: CFTR2 database: SickKids CFTR database

Natera, Inc.
Classification: Pathogenic for CFTR-related disorders. Last evaluated: 2017-03-17. Review status: no assertion criteria provided. Collection method: clinical testing. Allele origin: germline. Not counted in ClinVar's aggregate classification.

ClinVar Staff, National Center for Biotechnology Information (NCBI)
No classification provided. Condition: CFTR-related disorders. Review status: no classification provided. Collection method: literature only. Allele origin: germline. Affected: yes. Not counted in ClinVar's aggregate classification.

Literature cited by the submitters: PubMed 18094014 (cited by Women's Health and Genetics/Laboratory Corporation of America, LabCorp); PubMed 23974870 (cited by Labcorp Genetics (formerly Invitae), Labcorp); PubMed 1695717 (cited by Labcorp Genetics (formerly Invitae), Labcorp); PubMed 7691345 (cited by Labcorp Genetics (formerly Invitae), Labcorp); PubMed 9725922 (cited by Labcorp Genetics (formerly Invitae), Labcorp); PubMed 16049310 (cited by ClinVar Staff, National Center for Biotechnology Information (NCBI)).

NM_000492.4(CFTR):c.1703del (p.Leu568fs)

Gene: CFTR (CF transmembrane conductance regulator; plus strand). Cytogenetic location: 7q31.2.
Variant type: Deletion.
Coding change: c.1703del on transcript NM_000492.4 (MANE Select); coding-DNA position 1703, one base deleted (T; older notation c.1703delT).
Protein change: p.Leu568fs; shifts the reading frame from leucine 568.
Molecular consequence: frameshift variant.
Genome position (GRCh38, 1-based): chr7:117,590,376, T deleted; the last of 3 consecutive T bases (chr7:117,590,374-117,590,376); deleting any one gives the same sequence. VCF-style (leftmost placement, unchanged base first): chr7-117590373-AT-A. GRCh37 (hg19) VCF-style: chr7-117230427-AT-A.
Other names: 1833delT; c.1703delT (NM_000492.3, NM_000492.4); short protein forms L568fs.
Identifiers: ClinVar variation 53349 (VCV000053349.15), dbSNP rs397508274, ClinGen allele CA326620.